The following is an entry in ClinVar:

ClinVar aggregate classification (germline): Likely benign. Review status: criteria provided, single submitter (1 of 4 stars). 2 submissions from 2 submitters: Likely benign (1). 1 of the submissions does not count toward it. Last evaluated 2024-08-28.

Conditions:
RAI1-related disorder. Also called: RAI1-related condition.

Allele frequency attached by ClinVar (database versions not stated): gnomAD 0.00001; gnomAD exomes 0.00005; ExAC 0.00007.

Submissions (2):

Labcorp Genetics (formerly Invitae), Labcorp
Classification: Likely benign. Last evaluated: 2024-08-28. Review status: criteria provided, single submitter. Criteria: Invitae Variant Classification Sherloc (09022015). Collection method: clinical testing. Allele origin: germline.

PreventionGenetics, part of Exact Sciences
Classification: Likely benign for RAI1-related condition. Last evaluated: 2023-10-18. Review status: no assertion criteria provided. Collection method: clinical testing. Allele origin: germline. Not counted in ClinVar's aggregate classification.
Comment: This variant is classified as likely benign based on ACMG/AMP sequence variant interpretation guidelines (Richards et al. 2015 PMID: 25741868, with internal and published modifications).

NM_030665.4(RAI1):c.5391C>A (p.Ala1797=)

Gene: RAI1 (retinoic acid induced 1; plus strand). Cytogenetic location: 17p11.2.
Variant type: single nucleotide variant.
Coding change: c.5391C>A on transcript NM_030665.4 (MANE Select); coding-DNA position 5391, C replaced by A.
Protein change: p.Ala1797=; no amino-acid change (alanine 1797 retained).
Molecular consequence: synonymous variant.
Genome position (GRCh38, 1-based): chr17:17,798,339, C>A. VCF-style: chr17-17798339-C-A. GRCh37 (hg19) VCF-style: chr17-17701653-C-A.
Other names: c.5391C>A (NM_030665.3).
Identifiers: ClinVar variation 1666474 (VCV001666474.11), dbSNP rs781586284, ClinGen allele CA8419146.